The following is an entry in ClinVar:

NM_006660.5(CLPX):c.550T>C (p.Ser184Pro)

Gene: CLPX (caseinolytic mitochondrial matrix peptidase chaperone subunit X; minus strand). Cytogenetic location: 15q22.31.
Variant type: single nucleotide variant.
Coding change: c.550T>C on transcript NM_006660.5 (MANE Select); coding-DNA position 550, T replaced by C.
Protein change: p.Ser184Pro; replaces serine 184 with proline.
Molecular consequence: missense variant. On other transcripts: non-coding transcript variant (1).
Genome position (GRCh38, 1-based): chr15:65,164,152, A>G on the plus strand (T>C on the coding strand, the complement: CLPX is on the minus strand). VCF-style: chr15-65164152-A-G. GRCh37 (hg19) VCF-style: chr15-65456490-A-G.
Other names: short protein forms S184P.
Identifiers: ClinVar variation 2962763 (VCV002962763.3), dbSNP rs754025732, ClinGen allele CA7614860.
Genomic context (GRCh38, chr15:65,164,152, plus strand): 5'-TATTATATATTCTCTTATAATGATTGTACACAGCAACTGAAAGCACCTTCTTAGCAAATG[A>G]CTGGCCAACAACATACTTGTCGAGGTAGTTATAAATCTGAAAAATGATTAGGTATGAATA-3'
Protein context (NP_006651.2, residues 174-194): NYLDKYVVGQ[Ser184Pro]FAKKVLSVAV

ClinVar aggregate classification (germline): Uncertain significance (1 of 4 stars; one submission).

Allele frequency attached by ClinVar (database versions not stated): gnomAD exomes below 0.00001; ExAC 0.00001; TOPMed 0.00002; gnomAD 0.00005.
gnomAD v4.1: 12 of 1,612,422 alleles (0.00074%); highest among the groups gnomAD compares: African/African-American, 0.016%; no homozygotes.

Submission:

Labcorp Genetics (formerly Invitae), Labcorp
Classification: Uncertain significance. Last evaluated: 2023-10-05. Review status: criteria provided, single submitter. Criteria: Invitae Variant Classification Sherloc (09022015). Collection method: clinical testing. Allele origin: germline.
Comment: This sequence change replaces serine, which is neutral and polar, with proline, which is neutral and non-polar, at codon 184 of the CLPX protein (p.Ser184Pro). This variant is present in population databases (rs754025732, gnomAD 0.02%). This variant has not been reported in the literature in individuals affected with CLPX-related conditions. Advanced modeling of protein sequence and biophysical properties (such as structural, functional, and spatial information, amino acid conservation, physicochemical variation, residue mobility, and thermodynamic stability) performed at Invitae indicates that this missense variant is not expected to disrupt CLPX protein function. In summary, the available evidence is currently insufficient to determine the role of this variant in disease. Therefore, it has been classified as a Variant of Uncertain Significance.